The following is an entry in ClinVar:

NM_023013.4(PRAMEF1):c.1233G>A (p.Thr411=)

Gene: PRAMEF1 (PRAME family member 1; plus strand). Cytogenetic location: 1p36.21.
Variant type: single nucleotide variant.
Coding change: c.1233G>A on transcript NM_023013.4 (MANE Select); coding-DNA position 1233, G replaced by A.
Protein change: p.Thr411=; no amino-acid change (threonine 411 retained).
Molecular consequence: synonymous variant.
Genome position (GRCh38, 1-based): chr1:12,795,804, G>A. VCF-style: chr1-12795804-G-A. GRCh37 (hg19) VCF-style: chr1-12855953-G-A.
Other names: c.498G>A, p.Thr166= (NM_001294139.1).
Identifiers: ClinVar variation 3388486 (VCV003388486.14).

ClinVar aggregate classification (germline): Likely benign (1 of 4 stars; one submission).

Submission:

CeGaT Center for Human Genetics Tuebingen
Classification: Likely benign. Last evaluated: 2024-11-01. Review status: criteria provided, single submitter. Criteria: CeGaT Center For Human Genetics Tuebingen Variant Classification Criteria Version 2. Collection method: clinical testing. Allele origin: germline. Affected: yes. Observed: 1 variant allele.
Comment: PRAMEF1: BP4, BP7